The following is an entry in ClinVar:

ClinVar aggregate classification (germline): Uncertain significance. Review status: criteria provided, multiple submitters, no conflicts (2 of 4 stars). 2 submissions from 2 submitters: Uncertain significance (2). Last evaluated 2024-10-16.

Allele frequency attached by ClinVar (database versions not stated): gnomAD exomes below 0.00001.
gnomAD v4.1: 2 of 1,613,928 alleles (0.00012%); highest among the groups gnomAD compares: Non-Finnish European, 0.00017%; no homozygotes.

Submissions (2):

Labcorp Genetics (formerly Invitae), Labcorp
Classification: Uncertain significance. Last evaluated: 2024-10-16. Review status: criteria provided, single submitter. Criteria: Invitae Variant Classification Sherloc (09022015). Collection method: clinical testing. Allele origin: germline.
Comment: This sequence change replaces proline, which is neutral and non-polar, with serine, which is neutral and polar, at codon 1298 of the ADGRV1 protein (p.Pro1298Ser). This variant is not present in population databases (gnomAD no frequency). This variant has not been reported in the literature in individuals affected with ADGRV1-related conditions. ClinVar contains an entry for this variant (Variation ID: 1897363). Invitae Evidence Modeling of protein sequence and biophysical properties (such as structural, functional, and spatial information, amino acid conservation, physicochemical variation, residue mobility, and thermodynamic stability) indicates that this missense variant is not expected to disrupt ADGRV1 protein function with a negative predictive value of 95%. In summary, the available evidence is currently insufficient to determine the role of this variant in disease. Therefore, it has been classified as a Variant of Uncertain Significance.

Blueprint Genetics
Classification: Uncertain significance. Last evaluated: 2024-09-25. Review status: criteria provided, single submitter. Criteria: ACMG Guidelines, 2015. Collection method: clinical testing. Allele origin: germline.

NM_032119.4(ADGRV1):c.3892C>T (p.Pro1298Ser)

Gene: ADGRV1 (adhesion G protein-coupled receptor V1; plus strand). Cytogenetic location: 5q14.3.
Variant type: single nucleotide variant.
Coding change: c.3892C>T on transcript NM_032119.4 (MANE Select); coding-DNA position 3892, C replaced by T.
Protein change: p.Pro1298Ser; replaces proline 1298 with serine.
Molecular consequence: missense variant. On other transcripts: non-coding transcript variant (1).
Genome position (GRCh38, 1-based): chr5:90,653,466, C>T. VCF-style: chr5-90653466-C-T. GRCh37 (hg19) VCF-style: chr5-89949283-C-T.
Other names: short protein forms P1298S.
Identifiers: ClinVar variation 1897363 (VCV001897363.5), dbSNP rs1019518611, ClinGen allele CA121839761.